The following is an entry in ClinVar:

NM_004667.6(HERC2):c.3807C>A (p.Asp1269Glu)

Gene: HERC2 (HECT and RLD domain containing E3 ubiquitin protein ligase 2; minus strand). Cytogenetic location: 15q13.1.
Variant type: single nucleotide variant.
Coding change: c.3807C>A on transcript NM_004667.6 (MANE Select); coding-DNA position 3807, C replaced by A.
Protein change: p.Asp1269Glu; replaces aspartic acid 1269 with glutamic acid.
Molecular consequence: missense variant.
Genome position (GRCh38, 1-based): chr15:28,238,159, G>T on the plus strand (C>A on the coding strand, the complement: HERC2 is on the minus strand). VCF-style: chr15-28238159-G-T. GRCh37 (hg19) VCF-style: chr15-28483305-G-T.
Other names: c.3807C>A (NM_004667.4); short protein forms D1269E.
Identifiers: ClinVar variation 1800963 (VCV001800963.3), dbSNP rs553211421, ClinGen allele CA7442816.

ClinVar aggregate classification (germline): Uncertain significance. Review status: criteria provided, multiple submitters, no conflicts (2 of 4 stars). 2 submissions from 2 submitters: Uncertain significance (2). Last evaluated 2025-10-05.

Conditions:
Inborn genetic diseases. Identifiers: MedGen C0950123, MeSH D030342.

Allele frequency attached by ClinVar (database versions not stated): gnomAD 0.00012; 1000 Genomes Project 30x 0.00016; TOPMed 0.00015; 1000 Genomes Project 0.00020.
gnomAD v4.1: 39 of 1,611,946 alleles (0.0024%); highest among the groups gnomAD compares: African/African-American, 0.049%; no homozygotes.

Submissions (2):

GeneDx
Classification: Uncertain significance. Last evaluated: 2025-10-05. Review status: criteria provided, single submitter. Criteria: GeneDx Variant Classification Process June 2021. Collection method: clinical testing. Allele origin: germline.
Comment: In silico analysis suggests that this missense variant does not alter protein structure/function; Has not been previously published as pathogenic or benign to our knowledge

Ambry Genetics
Classification: Uncertain significance for Inborn genetic diseases. Last evaluated: 2024-12-07. Review status: criteria provided, single submitter. Criteria: Ambry Variant Classification Scheme 2023. Collection method: clinical testing. Allele origin: germline.